The following is an entry in ClinVar:

NM_005259.3(MSTN):c.*273C>G

Genes: C2orf88 (chromosome 2 open reading frame 88; plus strand), MSTN (myostatin; minus strand). Cytogenetic location: 2q32.2.
Variant type: single nucleotide variant.
Coding change: c.*273C>G on transcript NM_005259.3 (MANE Select); 273 bases downstream of the stop codon, C replaced by G.
Molecular consequence: 3 prime UTR variant.
Genome position (GRCh38, 1-based): chr2:190,056,985, G>C on the plus strand (C>G on the coding strand, the complement: MSTN is on the minus strand). VCF-style: chr2-190056985-G-C. GRCh37 (hg19) VCF-style: chr2-190921711-G-C.
Other names: c.*273C>G (LRG_200t1).
Identifiers: ClinVar variation 333229 (VCV000333229.6), dbSNP rs150145410, ClinGen allele CA10613582.
Genomic context (GRCh38, chr2:190,056,985, plus strand): 5'-TTTAAAGCATACTCCTTTAATTCATCAGAACTCAAGGAGAATCGCTTTCATTTCCTCGCC[G>C]ATGTTGTAATATATAGGAACATAAATGTAATTTGATCTCCTTCTAGCTCAAAAACTCTGG-3'

ClinVar aggregate classification (germline): Benign. Review status: criteria provided, multiple submitters, no conflicts (2 of 4 stars). 2 submissions from 2 submitters: Benign (2). Last evaluated 2018-01-13.

Conditions:
Myostatin-related muscle hypertrophy (MSLHP). Also called: MUSCLE HYPERTROPHY. Identifiers: Orphanet 275534, MedGen C2931112, MONDO:0013598, OMIM 614160.

Allele frequency attached by ClinVar (database versions not stated): 1000 Genomes Project 30x 0.00687; gnomAD exomes 0.01563; TOPMed 0.01358; 1000 Genomes Project 0.00659; gnomAD 0.01242 and 0.01270.
gnomAD v4.1: 5,184 of 362,862 alleles (1.4%); highest among the groups gnomAD compares: Non-Finnish European, 2%; 63 homozygotes.

Submissions (2):

Illumina Laboratory Services, Illumina
Classification: Benign for Myostatin-related muscle hypertrophy. Last evaluated: 2018-01-13. Review status: criteria provided, single submitter. Criteria: ICSL Variant Classification Criteria 13 December 2019. Collection method: clinical testing. Allele origin: germline.
Comment: This variant was observed in the ICSL laboratory as part of a predisposition screen in an ostensibly healthy population. It had not been previously curated by ICSL or reported in the Human Gene Mutation Database (HGMD: prior to June 1st, 2018), and was therefore a candidate for classification through an automated scoring system. Utilizing variant allele frequency, disease prevalence and penetrance estimates, and inheritance mode, an automated score was calculated to assess if this variant is too frequent to cause the disease. Based on the score and internal cut-off values, a variant classified as benign is not then subjected to further curation. The score for this variant resulted in a classification of benign for this disease.

Breakthrough Genomics
Classification: Benign. Review status: criteria provided, single submitter. Criteria: ACMG Guidelines, 2015. Collection method: not provided. Allele origin: germline. Inheritance: Autosomal recessive inheritance. Affected: yes.